The following is an entry in ClinVar:

ClinVar aggregate classification (germline): Conflicting classifications of pathogenicity. Review status: criteria provided, conflicting classifications (1 of 4 stars). 8 submissions from 8 submitters: Uncertain significance (3); Benign (1); Likely benign (3). 1 of the submissions does not count toward it. Last evaluated 2026-05-01.

Conditions:
UMOD-related disorder. Also called: UMOD-related condition.
Familial juvenile hyperuricemic nephropathy type 1 (ADTKD1). Also called: UMOD-Associated Kidney Disease; Uromodulin-associated kidney disease; Autosomal Dominant Tubulointerstitial Kidney Disease – UMOD; Glomerulocystic kidney disease with hyperuricemia and isosthenuria; Medullary cystic kidney disease 2. Identifiers: Orphanet 209886, Orphanet 34149, Orphanet 88950, MedGen C4551496, MONDO:0008073, OMIM 162000.

Allele frequency attached by ClinVar (database versions not stated): ESP Exome Variant Server 0.00038; gnomAD 0.00051; 1000 Genomes Project 0.00060; TOPMed 0.00065; 1000 Genomes Project 30x 0.00078.
gnomAD v4.1: 1,637 of 1,614,092 alleles (0.1%); highest among the groups gnomAD compares: Admixed American, 0.15%; 3 homozygotes.

Submissions (8):

CeGaT Center for Human Genetics Tuebingen
Classification: Likely benign. Last evaluated: 2026-05-01. Review status: criteria provided, single submitter. Criteria: CeGaT Center For Human Genetics Tuebingen Variant Classification Criteria Version 2. Collection method: clinical testing. Allele origin: germline. Affected: yes. Observed: 1 variant allele.
Comment: UMOD: BS2

Labcorp Genetics (formerly Invitae), Labcorp
Classification: Benign. Last evaluated: 2026-01-26. Review status: criteria provided, single submitter. Criteria: Invitae Variant Classification Sherloc (09022015). Collection method: clinical testing. Allele origin: germline.

Mayo Clinic Laboratories, Mayo Clinic
Classification: Likely benign. Last evaluated: 2025-12-06. Review status: criteria provided, single submitter. Criteria: ACMG Guidelines, 2015. Collection method: clinical testing. Allele origin: germline. Observed: 3 variant alleles.
Comment: BS1, BS3_supporting

Blueprint Genetics
Classification: Likely benign. Last evaluated: 2024-06-07. Review status: criteria provided, single submitter. Criteria: ACMG Guidelines, 2015. Collection method: clinical testing. Allele origin: germline.

GeneDx
Classification: Uncertain significance. Last evaluated: 2024-04-22. Review status: criteria provided, single submitter. Criteria: GeneDx Variant Classification Process June 2021. Collection method: clinical testing. Allele origin: germline. Affected: yes.
Comment: Reported in a patient with familial juvenile hyperuricemic nephropathy and medullary cystic kidney disease in published literature (PMID: 21868615); of note, clinical information is limited; Published functional studies demonstrate no damaging effect (PMID: Olinger2021[preprint]); In silico analysis supports that this missense variant has a deleterious effect on protein structure/function; This variant is associated with the following publications: (PMID: 25786455, 24429398, 22693617, 34426522, 32450155, 21868615, Olinger2021[preprint])

Mendelics
Classification: Uncertain significance for Familial juvenile hyperuricemic nephropathy type 1. Last evaluated: 2019-05-28. Review status: criteria provided, single submitter. Criteria: Mendelics Assertion Criteria 2017. Collection method: clinical testing. Allele origin: unknown.

Eurofins Ntd Llc (ga)
Classification: Uncertain significance. Last evaluated: 2015-01-21. Review status: criteria provided, single submitter. Criteria: EGL Classification Definitions 2015. Collection method: clinical testing. Allele origin: germline. Observed: 1 variant allele, 1 heterozygote.

PreventionGenetics, part of Exact Sciences
Classification: Likely benign for UMOD-related condition. Last evaluated: 2023-01-30. Review status: no assertion criteria provided. Collection method: clinical testing. Allele origin: germline. Not counted in ClinVar's aggregate classification.
Comment: This variant is classified as likely benign based on ACMG/AMP sequence variant interpretation guidelines (Richards et al. 2015 PMID: 25741868, with internal and published modifications).

Literature cited by the submitters: PubMed 21868615 (cited by Mayo Clinic Laboratories, Mayo Clinic); PubMed 24429398 (cited by Mayo Clinic Laboratories, Mayo Clinic); PubMed 30476936 (cited by Mayo Clinic Laboratories, Mayo Clinic); PubMed 32450155 (cited by Mayo Clinic Laboratories, Mayo Clinic); PubMed 35947615 (cited by Mayo Clinic Laboratories, Mayo Clinic).

NM_003361.4(UMOD):c.1406C>T (p.Thr469Met)

Gene: UMOD (uromodulin; minus strand). Cytogenetic location: 16p12.3.
Variant type: single nucleotide variant.
Coding change: c.1406C>T on transcript NM_003361.4 (MANE Select); coding-DNA position 1406, C replaced by T.
Protein change: p.Thr469Met; replaces threonine 469 with methionine.
Molecular consequence: missense variant. On other transcripts: non-coding transcript variant (1).
Genome position (GRCh38, 1-based): chr16:20,341,262, G>A on the plus strand (C>T on the coding strand, the complement: UMOD is on the minus strand). VCF-style: chr16-20341262-G-A. GRCh37 (hg19) VCF-style: chr16-20352584-G-A.
Other names: p.Thr469Met; c.1406C>T (NM_003361.2); c.1406C>T, p.Thr469Met (NM_001008389.3, NM_001378232.1, NM_001378233.1); c.1505C>T, p.Thr502Met (NM_001278614.2); c.1547C>T, p.Thr516Met (NM_001378234.1, NM_001378235.1); short protein forms T469M, T502M, T516M.
Identifiers: ClinVar variation 198492 (VCV000198492.30), dbSNP rs143583842, ClinGen allele CA247170.
Genomic context (GRCh38, chr16:20,341,262, plus strand): 5'-GTGCCCACGTAGAGAAAAGCCTCAGTGGACAGTGTCACGGAGGAGCCTTGGTAGGGCTGC[G>A]TGTAGGAAGGGGTCTGGAAGAGCGCCATCCGCACGGTGAACATGCCGGTCCCGCCCACTC-3'
Protein context (NP_003352.2, residues 459-479): RMALFQTPSY[Thr469Met]QPYQGSSVTL